The following is an entry in ClinVar:

ClinVar aggregate classification (germline): Uncertain significance. Review status: criteria provided, multiple submitters, no conflicts (2 of 4 stars). 3 submissions from 3 submitters: Uncertain significance (3). Last evaluated 2026-04-01.

Conditions:
Hereditary cancer-predisposing syndrome. Also called: Hereditary Cancer Syndrome; Neoplastic Syndromes, Hereditary; Tumor predisposition; Hereditary neoplastic syndrome. Identifiers: Orphanet 140162, MedGen C0027672, MeSH D009386, MONDO:0015356.
Hereditary nonpolyposis colorectal neoplasms. Identifiers: MedGen C0009405, MeSH D003123.

Submissions (3):

Ambry Genetics
Classification: Uncertain significance for Hereditary cancer-predisposing syndrome. Last evaluated: 2026-04-01. Review status: criteria provided, single submitter. Criteria: Ambry Variant Classification Scheme 2023. Collection method: clinical testing. Allele origin: germline.
Comment: The c.3172+3A>G intronic variant results from an A to G substitution 3 nucleotides after coding exon 4 in the MSH6 gene. This nucleotide position is highly conserved in available vertebrate species. In silico splice site analysis for this alteration is inconclusive. Based on the available evidence, the clinical significance of this variant remains unclear.

Labcorp Genetics (formerly Invitae), Labcorp
Classification: Uncertain significance for Hereditary nonpolyposis colorectal neoplasms. Last evaluated: 2024-11-12. Review status: criteria provided, single submitter. Criteria: Invitae Variant Classification Sherloc (09022015). Collection method: clinical testing. Allele origin: germline.
Comment: This sequence change falls in intron 4 of the MSH6 gene. It does not directly change the encoded amino acid sequence of the MSH6 protein. It affects a nucleotide within the consensus splice site. This variant is not present in population databases (gnomAD no frequency). This variant has not been reported in the literature in individuals affected with MSH6-related conditions. ClinVar contains an entry for this variant (Variation ID: 924214). Variants that disrupt the consensus splice site are a relatively common cause of aberrant splicing (PMID: 17576681, 9536098). Studies have shown that this variant is associated with inconclusive levels of altered splicing (internal data). In summary, the available evidence is currently insufficient to determine the role of this variant in disease. Therefore, it has been classified as a Variant of Uncertain Significance.

Color Diagnostics, LLC DBA Color Health
Classification: Uncertain significance for Hereditary cancer-predisposing syndrome. Last evaluated: 2019-09-19. Review status: criteria provided, single submitter. Criteria: ACMG Guidelines, 2015. Collection method: clinical testing. Allele origin: germline.
Comment: This variant causes an A>G nucleotide substitution at the +3 position of intron 4 of the MSH6 gene. Splice site prediction tools are inconclusive regarding the impact of this variant on RNA splicing. To our knowledge, functional studies have not been performed for this variant. This variant has not been reported in individuals affected with hereditary cancer in the literature. This variant has not been identified in the general population by the Genome Aggregation Database (gnomAD). The available evidence is insufficient to determine the role of this variant in disease conclusively. Therefore, this variant is classified as a Variant of Uncertain Significance.

Literature cited by the submitters: PubMed 17576681 (cited by Labcorp Genetics (formerly Invitae), Labcorp); PubMed 9536098 (cited by Labcorp Genetics (formerly Invitae), Labcorp).

NM_000179.3(MSH6):c.3172+3A>G

Gene: MSH6 (mutS homolog 6; plus strand). Cytogenetic location: 2p16.3.
Variant type: single nucleotide variant.
Coding change: c.3172+3A>G on transcript NM_000179.3 (MANE Select); 3 bases into the intron after coding-DNA position 3172, A replaced by G.
Molecular consequence: intron variant.
Genome position (GRCh38, 1-based): chr2:47,801,158, A>G. VCF-style: chr2-47801158-A-G. GRCh37 (hg19) VCF-style: chr2-48028297-A-G.
Other names: c.2266+3A>G (NM_001281493.2, NM_001281494.2); c.2782+3A>G (NM_001281492.2).
Identifiers: ClinVar variation 924214 (VCV000924214.6), dbSNP rs1669558933, ClinGen allele CA346756759.